The following is an entry in ClinVar:

ClinVar aggregate classification (germline): Uncertain significance (1 of 4 stars; one submission).

Submission:

Labcorp Genetics (formerly Invitae), Labcorp
Classification: Uncertain significance. Last evaluated: 2022-05-24. Review status: criteria provided, single submitter. Criteria: Invitae Variant Classification Sherloc (09022015). Collection method: clinical testing. Allele origin: germline.
Comment: This variant has not been reported in the literature in individuals affected with FLI1-related conditions. This sequence change replaces glutamic acid, which is acidic and polar, with valine, which is neutral and non-polar, at codon 218 of the FLI1 protein (p.Glu218Val). This variant is not present in population databases (gnomAD no frequency). Algorithms developed to predict the effect of missense changes on protein structure and function (SIFT, PolyPhen-2, Align-GVGD) all suggest that this variant is likely to be tolerated. Algorithms developed to predict the effect of sequence changes on RNA splicing suggest that this variant may create or strengthen a splice site. In summary, the available evidence is currently insufficient to determine the role of this variant in disease. Therefore, it has been classified as a Variant of Uncertain Significance.

NM_002017.5(FLI1):c.653A>T (p.Glu218Val)

Gene: FLI1 (Fli-1 proto-oncogene, ETS transcription factor; plus strand). Cytogenetic location: 11q24.3.
Variant type: single nucleotide variant.
Coding change: c.653A>T on transcript NM_002017.5 (MANE Select); coding-DNA position 653, A replaced by T.
Protein change: p.Glu218Val; replaces glutamic acid 218 with valine.
Molecular consequence: missense variant.
Genome position (GRCh38, 1-based): chr11:128,782,021, A>T. VCF-style: chr11-128782021-A-T. GRCh37 (hg19) VCF-style: chr11-128651916-A-T.
Other names: c.554A>T, p.Glu185Val (NM_001167681.3); c.455A>T, p.Glu152Val (NM_001271010.2); c.74A>T, p.Glu25Val (NM_001271012.2); short protein forms E152V, E25V, E218V, E185V.
Identifiers: ClinVar variation 1998236 (VCV001998236.4), dbSNP rs2497394848, ClinGen allele CA383238064.
Genomic context (GRCh38, chr11:128,782,021, plus strand): 5'-CACTGCTGGCCTATAATACAACCTCCCACACCGACCAATCCTCACGATTGAGTGTCAAAG[A>T]AGGTAAGTTTGTTCTTTTGTGCACTTAAAATTTTCTTCTGTACCAGACATGACACAGGCC-3'
Protein context (NP_002008.2, residues 208-228): TDQSSRLSVK[Glu218Val]DPSYDSVRRG